The following is an entry in ClinVar:

NM_001563.4(IMPG1):c.378G>A (p.Trp126Ter)

Gene: IMPG1 (interphotoreceptor matrix proteoglycan 1; minus strand). Cytogenetic location: 6q14.1.
Variant type: single nucleotide variant.
Coding change: c.378G>A on transcript NM_001563.4 (MANE Select); coding-DNA position 378, G replaced by A.
Protein change: p.Trp126Ter; replaces tryptophan 126 with a stop codon.
Molecular consequence: nonsense.
Genome position (GRCh38, 1-based): chr6:76,034,711, C>T on the plus strand (G>A on the coding strand, the complement: IMPG1 is on the minus strand). VCF-style: chr6-76034711-C-T. GRCh37 (hg19) VCF-style: chr6-76744428-C-T.
Other names: c.144G>A, p.Trp48Ter (NM_001282368.2); short protein forms W126*, W48*.
Identifiers: ClinVar variation 493439 (VCV000493439.56), dbSNP rs373792616, ClinGen allele CA3898551.
Genomic context (GRCh38, chr6:76,034,711, plus strand): 5'-ATTGCTGAAGTTTTTTCCAATGTCAAAGAGGCAGAAGGTCTCCTGCTGGCAGATGCTGAC[C>T]CAGTCCTGATATTCCCCTGTGTCAGGGATGCGATCCAGAAAGATCCGATATGCTTCCCAT-3'

ClinVar aggregate classification (germline): Conflicting classifications of pathogenicity. Review status: criteria provided, conflicting classifications (1 of 4 stars). 8 submissions from 8 submitters: Pathogenic (3); Likely pathogenic (4); Uncertain significance (1). Last evaluated 2026-01-30.

Conditions:
IMPG1-related disorder. Also called: IMPG1-related condition.
Retinal dystrophy. Also called: Inherited retinal dystrophy. Identifiers: Orphanet 71862, MedGen C0854723, MeSH D058499, MONDO:0019118, HP:0000556.
Isolated macular dystrophy. Identifiers: Orphanet 519302, MedGen C5681367, MONDO:0957048.
Vitelliform macular dystrophy 4. Identifiers: Orphanet 99000, MedGen C4015342, MONDO:0014508, OMIM 616151.

Allele frequency attached by ClinVar (database versions not stated): gnomAD below 0.00001 and 0.00001; gnomAD exomes below 0.00001 and 0.00001; ExAC 0.00001; TOPMed 0.00002; ESP Exome Variant Server 0.00008.
gnomAD v4.1: 10 of 1,613,906 alleles (0.00062%); highest among the groups gnomAD compares: South Asian, 0.0066%; no homozygotes.

Submissions (8):

PreventionGenetics, part of Exact Sciences
Classification: Uncertain significance for IMPG1-related condition. Last evaluated: 2026-01-30. Review status: criteria provided, single submitter. Criteria: ACMG Guidelines, 2015. Collection method: clinical testing. Allele origin: germline.
Comment: The IMPG1 c.378G>A variant is predicted to result in premature protein termination (p.Trp126*). This variant has been reported in the absence of a second IMPG1 variant in an individual from a cohort study of retinal disease (Table S2, Weisschuh et al. 2020. PubMed ID: 32531858). This variant is present in 0.0065% of alleles in individuals of South Asian descent in gnomAD. Predicted loss of function variants in IMPG1, such as this nonsense variant, are not a fully established mechanism of disease. Therefore, although we suspect that this variant may be pathogenic for autosomal recessive disease, at this time, the clinical significance of this variant is uncertain due to the absence of conclusive functional and genetic evidence.

First Genomix Gene Laboratory, Genetic Diagnostics Department
Classification: Likely pathogenic for Vitelliform macular dystrophy 4. Last evaluated: 2025-08-04. Review status: criteria provided, single submitter. Criteria: ACMG Guidelines, 2015. Collection method: clinical testing. Allele origin: germline. Inheritance: Autosomal recessive inheritance. Affected: no. Observed: 1 variant allele.

Revvity Omics, Revvity
Classification: Likely pathogenic. Last evaluated: 2024-10-23. Review status: criteria provided, single submitter. Criteria: ACMG Guidelines, 2015. Collection method: clinical testing. Allele origin: germline.

Blueprint Genetics
Classification: Likely pathogenic for IMPG1-related disorders. Last evaluated: 2024-10-15. Review status: criteria provided, single submitter. Criteria: ACMG Guidelines, 2015. Collection method: clinical testing. Allele origin: germline. Affected: yes. Observed: 5 variant alleles.

Labcorp Genetics (formerly Invitae), Labcorp
Classification: Pathogenic. Last evaluated: 2024-06-21. Review status: criteria provided, single submitter. Criteria: Invitae Variant Classification Sherloc (09022015). Collection method: clinical testing. Allele origin: germline.
Comment: This sequence change creates a premature translational stop signal (p.Trp126*) in the IMPG1 gene. It is expected to result in an absent or disrupted protein product. Loss-of-function variants in IMPG1 are known to be pathogenic (PMID: 23993198). This variant is present in population databases (rs373792616, gnomAD 0.006%). This variant has not been reported in the literature in individuals affected with IMPG1-related conditions. ClinVar contains an entry for this variant (Variation ID: 493439). For these reasons, this variant has been classified as Pathogenic.

Institute of Human Genetics, Univ. Regensburg, Univ. Regensburg
Classification: Pathogenic for Retinal dystrophy. Last evaluated: 2021-01-01. Review status: criteria provided, single submitter. Criteria: ACMG Guidelines, 2015. Collection method: clinical testing. Allele origin: germline. Affected: yes.

Molecular Genetics Laboratory, Institute for Ophthalmic Research
Classification: Pathogenic for Isolated macular dystrophy. Last evaluated: 2020-01-09. Review status: criteria provided, single submitter. Criteria: ACMG Guidelines, 2015. Collection method: research. Allele origin: germline. Affected: yes.

CeGaT Center for Human Genetics Tuebingen
Classification: Likely pathogenic. Last evaluated: 2019-01-01. Review status: criteria provided, single submitter. Criteria: CeGaT Center For Human Genetics Tuebingen Variant Classification Criteria Version 2. Collection method: clinical testing. Allele origin: germline. Affected: yes. Observed: 6 variant alleles.

Literature cited by the submitters: PubMed 23993198 (cited by Labcorp Genetics (formerly Invitae), Labcorp); PubMed 32531858 (cited by Institute of Human Genetics, Univ. Regensburg, Univ. Regensburg); PubMed 3196484 (cited by Institute of Human Genetics, Univ. Regensburg, Univ. Regensburg).